The following is an entry in ClinVar:

NM_207111.4(RNF216):c.2400T>G (p.Leu800=)

Gene: RNF216 (ring finger protein 216; minus strand). Cytogenetic location: 7p22.1.
Variant type: single nucleotide variant.
Coding change: c.2400T>G on transcript NM_207111.4 (MANE Select); coding-DNA position 2400, T replaced by G.
Protein change: p.Leu800=; no amino-acid change (leucine 800 retained).
Molecular consequence: synonymous variant.
Genome position (GRCh38, 1-based): chr7:5,624,108, A>C on the plus strand (T>G on the coding strand, the complement: RNF216 is on the minus strand). VCF-style: chr7-5624108-A-C. GRCh37 (hg19) VCF-style: chr7-5663739-A-C.
Other names: c.2229T>G, p.Leu743= (NM_001377156.1, NM_207116.3).
Identifiers: ClinVar variation 2657290 (VCV002657290.24), dbSNP rs2534009505, ClinGen allele CA453532657.

ClinVar aggregate classification (germline): Likely benign (1 of 4 stars; one submission).

Submission:

CeGaT Center for Human Genetics Tuebingen
Classification: Likely benign. Last evaluated: 2022-09-01. Review status: criteria provided, single submitter. Criteria: CeGaT Center For Human Genetics Tuebingen Variant Classification Criteria Version 2. Collection method: clinical testing. Allele origin: germline. Affected: yes. Observed: 1 variant allele.
Comment: RNF216: PM2:Supporting, BP4, BP7